The following is an entry in ClinVar:

ClinVar aggregate classification (germline): Likely benign. Review status: criteria provided, multiple submitters, no conflicts (2 of 4 stars). 3 submissions from 3 submitters: Likely benign (2). 1 of the submissions does not count toward it. Last evaluated 2026-01-26.

Conditions:
CEP104-related disorder. Also called: CEP104-related condition.
Joubert syndrome 25 (JBTS25). Identifiers: Orphanet 475, MedGen C4084842, MONDO:0014770, OMIM 616781.

Allele frequency attached by ClinVar (database versions not stated): gnomAD exomes 0.00004; ESP Exome Variant Server 0.00008; ExAC 0.00011; TOPMed 0.00014; gnomAD 0.00015; 1000 Genomes Project 30x 0.00016; 1000 Genomes Project 0.00020.
gnomAD v4.1: 88 of 1,613,318 alleles (0.0055%); highest among the groups gnomAD compares: African/African-American, 0.037%; no homozygotes.

Submissions (3):

Labcorp Genetics (formerly Invitae), Labcorp
Classification: Likely benign for Joubert syndrome 25. Last evaluated: 2026-01-26. Review status: criteria provided, single submitter. Criteria: Invitae Variant Classification Sherloc (09022015). Collection method: clinical testing. Allele origin: germline.

Blueprint Genetics
Classification: Likely benign. Last evaluated: 2024-11-17. Review status: criteria provided, single submitter. Criteria: ACMG Guidelines, 2015. Collection method: clinical testing. Allele origin: germline.

PreventionGenetics, part of Exact Sciences
Classification: Likely benign for CEP104-related condition. Last evaluated: 2020-02-05. Review status: no assertion criteria provided. Collection method: clinical testing. Allele origin: germline. Not counted in ClinVar's aggregate classification.
Comment: This variant is classified as likely benign based on ACMG/AMP sequence variant interpretation guidelines (Richards et al. 2015 PMID: 25741868, with internal and published modifications).

NM_014704.4(CEP104):c.2730G>A (p.Pro910=)

Gene: CEP104 (centrosomal protein 104; minus strand). Cytogenetic location: 1p36.32.
Variant type: single nucleotide variant.
Coding change: c.2730G>A on transcript NM_014704.4 (MANE Select); coding-DNA position 2730, G replaced by A.
Protein change: p.Pro910=; no amino-acid change (proline 910 retained).
Molecular consequence: synonymous variant.
Genome position (GRCh38, 1-based): chr1:3,815,450, C>T on the plus strand (G>A on the coding strand, the complement: CEP104 is on the minus strand). VCF-style: chr1-3815450-C-T. GRCh37 (hg19) VCF-style: chr1-3732014-C-T.
Other names: c.2730G>A (NM_014704.3).
Identifiers: ClinVar variation 2053647 (VCV002053647.7), dbSNP rs200742076, ClinGen allele CA551177.